The following is an entry in ClinVar:

NM_181078.3(IL21R):c.1474A>G (p.Ser492Gly)

Genes: IL21R (interleukin 21 receptor; plus strand), IL21R-AS1 (IL21R antisense RNA 1; minus strand), LOC130058713 (ATAC-STARR-seq lymphoblastoid active region 10627; plus strand). Cytogenetic location: 16p12.1.
Variant type: single nucleotide variant.
Coding change: c.1474A>G on transcript NM_181078.3 (MANE Select); coding-DNA position 1474, A replaced by G.
Protein change: p.Ser492Gly; replaces serine 492 with glycine.
Molecular consequence: missense variant. On other transcripts: non-coding transcript variant (1).
Genome position (GRCh38, 1-based): chr16:27,449,140, A>G. VCF-style: chr16-27449140-A-G. GRCh37 (hg19) VCF-style: chr16-27460461-A-G.
Other names: c.1474A>G, p.Ser492Gly (NM_021798.4); c.1540A>G, p.Ser514Gly (NM_181079.5); short protein forms S492G, S514G.
Identifiers: ClinVar variation 959760 (VCV000959760.10), dbSNP rs2087542716, ClinGen allele CA395308924.

ClinVar aggregate classification (germline): Uncertain significance (1 of 4 stars; one submission).

Conditions:
Cryptosporidiosis-chronic cholangitis-liver disease syndrome. Also called: Immunodeficiency type 56; IL21R immunodeficiency. Identifiers: Orphanet 357329, MedGen C3554687, MONDO:0014082, OMIM 615207.

Submission:

Labcorp Genetics (formerly Invitae), Labcorp
Classification: Uncertain significance for Cryptosporidiosis-chronic cholangitis-liver disease syndrome. Last evaluated: 2024-10-16. Review status: criteria provided, single submitter. Criteria: Invitae Variant Classification Sherloc (09022015). Collection method: clinical testing. Allele origin: germline.
Comment: This sequence change replaces serine, which is neutral and polar, with glycine, which is neutral and non-polar, at codon 492 of the IL21R protein (p.Ser492Gly). This variant is not present in population databases (gnomAD no frequency). This variant has not been reported in the literature in individuals affected with IL21R-related conditions. ClinVar contains an entry for this variant (Variation ID: 959760). Invitae Evidence Modeling of protein sequence and biophysical properties (such as structural, functional, and spatial information, amino acid conservation, physicochemical variation, residue mobility, and thermodynamic stability) indicates that this missense variant is expected to disrupt IL21R protein function with a positive predictive value of 80%. In summary, the available evidence is currently insufficient to determine the role of this variant in disease. Therefore, it has been classified as a Variant of Uncertain Significance.